The following is an entry in ClinVar:

ClinVar aggregate classification (germline): Likely pathogenic (1 of 4 stars; one submission).

Conditions:
Junctional epidermolysis bullosa. Identifiers: Orphanet 305, MedGen C0079301, MONDO:0017612.

Submission:

Myriad Genetics, Inc.
Classification: Likely pathogenic for Junctional epidermolysis bullosa. Last evaluated: 2022-03-29. Review status: criteria provided, single submitter. Criteria: Myriad Autosomal Dominant, Autosomal Recessive and X-Linked Classification Criteria (2023). Collection method: clinical testing. Allele origin: unknown.
Comment: NM_000228.2(LAMB3):c.81T>A(Y27*) is expected to be pathogenic in the context of junctional epidermolysis bullosa, LAMB3-related. This variant is predicted to lead to an abnormal or absent protein product due to the creation of a premature termination codon in LAMB3, a gene where loss-of-function variants are known to be pathogenic. Please note: this variant was assessed in the context of healthy population screening.

NM_000228.3(LAMB3):c.81T>A (p.Tyr27Ter)

Gene: LAMB3 (laminin subunit beta 3; minus strand). Cytogenetic location: 1q32.2.
Variant type: single nucleotide variant.
Coding change: c.81T>A on transcript NM_000228.3 (MANE Select); coding-DNA position 81, T replaced by A.
Protein change: p.Tyr27Ter; replaces tyrosine 27 with a stop codon.
Molecular consequence: nonsense.
Genome position (GRCh38, 1-based): chr1:209,650,066, A>T on the plus strand (T>A on the coding strand, the complement: LAMB3 is on the minus strand). VCF-style: chr1-209650066-A-T. GRCh37 (hg19) VCF-style: chr1-209823411-A-T.
Other names: c.81T>A, p.Tyr27Ter (NM_001017402.2, NM_001127641.1); short protein forms Y27*.
Identifiers: ClinVar variation 1725518 (VCV001725518.3), dbSNP rs2464954277, ClinGen allele CA344566307.